The following is an entry in ClinVar:

ClinVar aggregate classification (germline): Likely benign (0 of 4 stars; one submission).

Conditions:
RET-related disorder. Also called: RET-related disorders; RET-related condition; RET-related disease.

Allele frequency attached by ClinVar (database versions not stated): gnomAD 0.00001; TOPMed 0.00005.
gnomAD v4.1: 2 of 151,690 alleles (0.0013%); highest among the groups gnomAD compares: Admixed American, 0.0066%; no homozygotes.

Submission:

PreventionGenetics, part of Exact Sciences
Classification: Likely benign for RET-related condition. Last evaluated: 2023-01-10. Review status: no assertion criteria provided. Collection method: clinical testing. Allele origin: germline.
Comment: This variant is classified as likely benign based on ACMG/AMP sequence variant interpretation guidelines (Richards et al. 2015 PMID: 25741868, with internal and published modifications).

NM_020975.6(RET):c.73+9390C>T

Genes: MCS+9.7 (RET intron 1 enhancer; plus strand), RET (ret proto-oncogene; plus strand), LOC110121502 (VISTA enhancer hs2326; plus strand). Cytogenetic location: 10q11.21.
Variant type: single nucleotide variant.
Coding change: c.73+9390C>T on transcript NM_020975.6 (MANE Select); 9390 bases into the intron after coding-DNA position 73, C replaced by T.
Molecular consequence: intron variant.
Genome position (GRCh38, 1-based): chr10:43,086,721, C>T. VCF-style: chr10-43086721-C-T. GRCh37 (hg19) VCF-style: chr10-43582169-C-T.
Other names: c.73+9390C>T (NM_020630.7, NM_001406743.1, NM_001406744.1 and 36 more transcripts).
Identifiers: ClinVar variation 3029773 (VCV003029773.2), dbSNP rs951233491, ClinGen allele CA206711504.
Genomic context (GRCh38, chr10:43,086,721, plus strand): 5'-TAGGAAAGAAATTAATTATAACCTAATTGGCAGTTTCCTTTGCATAGAAGCCGGAAGCAA[C>T]TGCCAGTGAGGCTGGTGATTAACTCTGCAGCAGCTGGGAAATTGCAGTTGGGCAGGAGCG-3'